The following is an entry in ClinVar:

ClinVar aggregate classification (germline): Benign/Likely benign. Review status: criteria provided, multiple submitters, no conflicts (2 of 4 stars). 2 submissions from 2 submitters: Benign (1); Likely benign (1). Last evaluated 2026-05-14.

Submissions (2):

Women's Health and Genetics/Laboratory Corporation of America, LabCorp
Classification: Benign. Last evaluated: 2026-05-14. Review status: criteria provided, single submitter. Criteria: LabCorp Variant Classification Summary - May 2015. Collection method: clinical testing. Allele origin: germline.
Comment: Variant summary: COL9A1 c.-17_-14delGAAA is located in the untranslated mRNA region upstream of the initiation codon. The variant allele was found at a frequency of 0.00043 in 251478 control chromosomes, predominantly at a frequency of 0.006 within the African or African-American subpopulation in the gnomAD database. The observed variant frequency within African or African-American control individuals in the gnomAD database exceeds the estimated maximal expected allele frequency for disease-causing variants in COL9A1. To our knowledge, no occurrence of c.-17_-14delGAAA in individuals affected with COL9A1-related conditions and no experimental evidence demonstrating its impact on protein function have been reported. No submitters have cited clinical-significance assessments for this variant to ClinVar. Based on the evidence outlined above, the variant was classified as benign.

Blueprint Genetics
Classification: Likely benign. Last evaluated: 2024-10-04. Review status: criteria provided, single submitter. Criteria: ACMG Guidelines, 2015. Collection method: clinical testing. Allele origin: germline.

NM_001851.6(COL9A1):c.-17_-14del

Gene: COL9A1 (collagen type IX alpha 1 chain; minus strand). Cytogenetic location: 6q13.
Variant type: Deletion.
Coding change: c.-17_-14del on transcript NM_001851.6 (MANE Select); 17 bases upstream of the start codon through 14 bases upstream of the start codon, 4 bases deleted (GAAA; older notation c.-17_-14delGAAA).
Molecular consequence: 5 prime UTR variant.
Genome position (GRCh38, 1-based): chr6:70,302,938-70,302,941, TTTC deleted on the plus strand (GAAA on the coding strand, the reverse complement: COL9A1 is on the minus strand); deleting any 4 consecutive bases within chr6:70,302,938-70,302,944 gives the same sequence; the c. name uses the placement nearest the transcript's 3' end. VCF-style (leftmost placement, unchanged base first): chr6-70302937-TTTTC-T. GRCh37 (hg19) VCF-style: chr6-71012640-TTTTC-T.
Other names: c.-17_-14del (NM_001377291.1); c.-17_-14delGAAA (NM_001851.6).
Identifiers: ClinVar variation 4853077 (VCV004853077.2).